The following is an entry in ClinVar:

ClinVar aggregate classification (germline): Uncertain significance (0 of 4 stars; one submission).

Conditions:
LAMB3-related disorder. Also called: LAMB3-related condition.

Submissions (2):

PreventionGenetics, part of Exact Sciences
Classification: Uncertain significance for LAMB3-related condition. Last evaluated: 2024-07-10. Review status: no assertion criteria provided. Collection method: clinical testing. Allele origin: germline.
Comment: The LAMB3 c.501C>G variant is predicted to result in the amino acid substitution p.Ser167Arg. To our knowledge, this variant has not been reported in the literature. This variant is reported in 0.0035% of alleles in individuals of European (Non-Finnish) descent in gnomAD. At this time, the clinical significance of this variant is uncertain due to the absence of conclusive functional and genetic evidence.

Dr. Peter K. Rogan Lab, Western University
No classification provided (evidence only). Condition: Lung cancer. Review status: no classification provided. Collection method: in vitro. Allele origin: not applicable. Functional consequence: skipped exon. Not counted in ClinVar's aggregate classification.

NM_000228.3(LAMB3):c.501C>G (p.Ser167Arg)

Gene: LAMB3 (laminin subunit beta 3; minus strand). Cytogenetic location: 1q32.2.
Variant type: single nucleotide variant.
Coding change: c.501C>G on transcript NM_000228.3 (MANE Select); coding-DNA position 501, C replaced by G.
Protein change: p.Ser167Arg; replaces serine 167 with arginine.
Molecular consequence: missense variant.
Genome position (GRCh38, 1-based): chr1:209,634,510, G>C on the plus strand (C>G on the coding strand, the complement: LAMB3 is on the minus strand). VCF-style: chr1-209634510-G-C. GRCh37 (hg19) VCF-style: chr1-209807855-G-C.
Other names: NC_000001.10:g.209807855G>C; c.501C>G, p.Ser167Arg (NM_001017402.2, NM_001127641.1); short protein forms S167R.
Identifiers: ClinVar variation 3351955 (VCV003351955.2).